The following is an entry in ClinVar:

ClinVar aggregate classification (germline): Uncertain significance. Review status: criteria provided, multiple submitters, no conflicts (2 of 4 stars). 2 submissions from 2 submitters: Uncertain significance (2). Last evaluated 2025-10-02.

Conditions:
Inborn genetic diseases. Identifiers: MedGen C0950123, MeSH D030342.

Allele frequency attached by ClinVar (database versions not stated): ESP Exome Variant Server 0.00008; TOPMed 0.00009; gnomAD exomes 0.00014; gnomAD 0.00015; ExAC 0.00028; 1000 Genomes Project 30x 0.00031; 1000 Genomes Project 0.00040.
gnomAD v4.1: 233 of 1,613,382 alleles (0.014%); highest among the groups gnomAD compares: Middle Eastern, 0.15%; no homozygotes.

Submissions (2):

Ambry Genetics
Classification: Uncertain significance for Inborn genetic diseases. Last evaluated: 2025-10-02. Review status: criteria provided, single submitter. Criteria: Ambry Variant Classification Scheme 2023. Collection method: clinical testing. Allele origin: germline.

Labcorp Genetics (formerly Invitae), Labcorp
Classification: Uncertain significance. Last evaluated: 2025-04-28. Review status: criteria provided, single submitter. Criteria: Invitae Variant Classification Sherloc (09022015). Collection method: clinical testing. Allele origin: germline.
Comment: This sequence change replaces arginine with glutamine at codon 1315 of the LAMB1 protein (p.Arg1315Gln). The arginine residue is highly conserved and there is a small physicochemical difference between arginine and glutamine. This variant is present in population databases (rs371963986, gnomAD 0.1%). This variant has not been reported in the literature in individuals affected with LAMB1-related conditions. ClinVar contains an entry for this variant (Variation ID: 2072133). An algorithm developed to predict the effect of missense changes on protein structure and function outputs the following: PolyPhen-2: "Benign". The glutamine amino acid residue is found in multiple mammalian species, which suggests that this missense change does not adversely affect protein function. In summary, the available evidence is currently insufficient to determine the role of this variant in disease. Therefore, it has been classified as a Variant of Uncertain Significance.

NM_002291.3(LAMB1):c.3944G>A (p.Arg1315Gln)

Gene: LAMB1 (laminin subunit beta 1; minus strand). Cytogenetic location: 7q31.1.
Variant type: single nucleotide variant.
Coding change: c.3944G>A on transcript NM_002291.3 (MANE Select); coding-DNA position 3944, G replaced by A.
Protein change: p.Arg1315Gln; replaces arginine 1315 with glutamine.
Molecular consequence: missense variant.
Genome position (GRCh38, 1-based): chr7:107,937,095, C>T on the plus strand (G>A on the coding strand, the complement: LAMB1 is on the minus strand). VCF-style: chr7-107937095-C-T. GRCh37 (hg19) VCF-style: chr7-107577540-C-T.
Other names: c.3944G>A (NM_002291.2); short protein forms R1315Q.
Identifiers: ClinVar variation 2072133 (VCV002072133.4), dbSNP rs371963986, ClinGen allele CA4435202.
Genomic context (GRCh38, chr7:107,937,095, plus strand): 5'-ACGTTAGACATATCGTTAAATCCATTGTCTGGGACTATTTGCACCAAAAAATGCTCACCC[C>T]GAATATCTGAGTTTTTGATAAATTCCAGTTGTTCAGCAAGTTCTTTCACAGTGTTGTCTA-3'
Protein context (NP_002282.2, residues 1305-1325): QLEFIKNSDI[Arg1315Gln]GALDSITKYF